The following is an entry in ClinVar:

ClinVar aggregate classification (germline): Uncertain significance (1 of 4 stars; one submission).

Conditions:
Tumor predisposition syndrome 3 (TPDS3). Also called: Melanoma, cutaneous malignant, susceptibility to, 10; Glioma susceptibility 9; LONG TELOMERE SYNDROME, POT1-RELATED; POT1 Tumor Predisposition. Identifiers: Orphanet 618, MedGen C4014476, MONDO:0014368, OMIM 615848.

Submission:

Labcorp Genetics (formerly Invitae), Labcorp
Classification: Uncertain significance for Tumor predisposition syndrome 3. Last evaluated: 2024-05-15. Review status: criteria provided, single submitter. Criteria: Invitae Variant Classification Sherloc (09022015). Collection method: clinical testing. Allele origin: germline.
Comment: This sequence change replaces glutamine, which is neutral and polar, with histidine, which is basic and polar, at codon 539 of the POT1 protein (p.Gln539His). This variant is not present in population databases (gnomAD no frequency). This variant has not been reported in the literature in individuals affected with POT1-related conditions. Advanced modeling of protein sequence and biophysical properties (such as structural, functional, and spatial information, amino acid conservation, physicochemical variation, residue mobility, and thermodynamic stability) performed at Invitae indicates that this missense variant is not expected to disrupt POT1 protein function with a negative predictive value of 80%. In summary, the available evidence is currently insufficient to determine the role of this variant in disease. Therefore, it has been classified as a Variant of Uncertain Significance.

NM_015450.3(POT1):c.1617A>C (p.Gln539His)

Gene: POT1 (protection of telomeres 1; minus strand). Cytogenetic location: 7q31.33.
Variant type: single nucleotide variant.
Coding change: c.1617A>C on transcript NM_015450.3 (MANE Select); coding-DNA position 1617, A replaced by C.
Protein change: p.Gln539His; replaces glutamine 539 with histidine.
Molecular consequence: missense variant. On other transcripts: non-coding transcript variant (3).
Genome position (GRCh38, 1-based): chr7:124,827,283, T>G on the plus strand (A>C on the coding strand, the complement: POT1 is on the minus strand). VCF-style: chr7-124827283-T-G. GRCh37 (hg19) VCF-style: chr7-124467337-T-G.
Other names: c.1224A>C, p.Gln408His (NM_001042594.2); short protein forms Q408H, Q539H.
Identifiers: ClinVar variation 3653450 (VCV003653450.2).